The following is an entry in ClinVar:

NM_001605.3(AARS1):c.2217C>G (p.Ile739Met)

Gene: AARS1 (alanyl-tRNA synthetase 1; minus strand). Cytogenetic location: 16q22.1.
Variant type: single nucleotide variant.
Coding change: c.2217C>G on transcript NM_001605.3 (MANE Select); coding-DNA position 2217, C replaced by G.
Protein change: p.Ile739Met; replaces isoleucine 739 with methionine.
Molecular consequence: missense variant.
Genome position (GRCh38, 1-based): chr16:70,255,797, G>C on the plus strand (C>G on the coding strand, the complement: AARS1 is on the minus strand). VCF-style: chr16-70255797-G-C. GRCh37 (hg19) VCF-style: chr16-70289700-G-C.
Other names: short protein forms I739M.
Identifiers: ClinVar variation 1682150 (VCV001682150.4), dbSNP rs770980206, ClinGen allele CA396557027.

ClinVar aggregate classification (germline): Uncertain significance (1 of 4 stars; one submission).

Conditions:
Charcot-Marie-Tooth disease type 2. Also called: Charcot-Marie-Tooth type 2. Identifiers: Orphanet 64746, MedGen C0270914, MONDO:0018993.

gnomAD v4.1: 6 of 1,614,012 alleles (0.00037%); highest among the groups gnomAD compares: Admixed American, 0.005%; no homozygotes.

Submission:

Labcorp Genetics (formerly Invitae), Labcorp
Classification: Uncertain significance for Charcot-Marie-Tooth disease type 2. Last evaluated: 2023-11-27. Review status: criteria provided, single submitter. Criteria: Invitae Variant Classification Sherloc (09022015). Collection method: clinical testing. Allele origin: germline.
Comment: This sequence change replaces isoleucine, which is neutral and non-polar, with methionine, which is neutral and non-polar, at codon 739 of the AARS protein (p.Ile739Met). This variant is present in population databases (no rsID available, gnomAD 0.003%). This variant has not been reported in the literature in individuals affected with AARS-related conditions. ClinVar contains an entry for this variant (Variation ID: 1682150). Advanced modeling of protein sequence and biophysical properties (such as structural, functional, and spatial information, amino acid conservation, physicochemical variation, residue mobility, and thermodynamic stability) has been performed at Invitae for this missense variant, however the output from this modeling did not meet the statistical confidence thresholds required to predict the impact of this variant on AARS protein function. In summary, the available evidence is currently insufficient to determine the role of this variant in disease. Therefore, it has been classified as a Variant of Uncertain Significance.